The following is an entry in ClinVar:

NM_144701.3(IL23R):c.500C>G (p.Thr167Arg)

Gene: IL23R (interleukin 23 receptor; plus strand). Cytogenetic location: 1p31.3.
Variant type: single nucleotide variant.
Coding change: c.500C>G on transcript NM_144701.3 (MANE Select); coding-DNA position 500, C replaced by G.
Protein change: p.Thr167Arg; replaces threonine 167 with arginine.
Molecular consequence: missense variant.
Genome position (GRCh38, 1-based): chr1:67,200,745, C>G. VCF-style: chr1-67200745-C-G. GRCh37 (hg19) VCF-style: chr1-67666428-C-G.
Other names: short protein forms T167R.
Identifiers: ClinVar variation 4774403 (VCV004774403.1).

ClinVar aggregate classification (germline): Uncertain significance (1 of 4 stars; one submission).

Submission:

Labcorp Genetics (formerly Invitae), Labcorp
Classification: Uncertain significance. Last evaluated: 2025-10-18. Review status: criteria provided, single submitter. Criteria: Invitae Variant Classification Sherloc (09022015). Collection method: clinical testing. Allele origin: germline.
Comment: This sequence change replaces threonine, which is neutral and polar, with arginine, which is basic and polar, at codon 167 of the IL23R protein (p.Thr167Arg). This variant is not present in population databases (gnomAD no frequency). This variant has not been reported in the literature in individuals affected with IL23R-related conditions. An algorithm developed to predict the effect of missense changes on protein structure and function (PolyPhen-2) suggests that this variant is likely to be disruptive. In summary, the available evidence is currently insufficient to determine the role of this variant in disease. Therefore, it has been classified as a Variant of Uncertain Significance.